The following is an entry in ClinVar:

NM_001386298.1(CIC):c.3683C>T (p.Ala1228Val)

Gene: CIC (capicua transcriptional repressor; plus strand). Cytogenetic location: 19q13.2.
Variant type: single nucleotide variant.
Coding change: c.3683C>T on transcript NM_001386298.1 (MANE Select); coding-DNA position 3683, C replaced by T.
Protein change: p.Ala1228Val; replaces alanine 1228 with valine.
Molecular consequence: missense variant.
Genome position (GRCh38, 1-based): chr19:42,288,912, C>T. VCF-style: chr19-42288912-C-T. GRCh37 (hg19) VCF-style: chr19-42793064-C-T.
Other names: c.956C>T (NM_015125.3); c.3683C>T, p.Ala1228Val (NM_001304815.2, NM_001379480.1, NM_001379482.1); c.956C>T, p.Ala319Val (NM_001379484.1, NM_001379485.1, NM_015125.5); short protein forms A1228V, A319V.
Identifiers: ClinVar variation 3907471 (VCV003907471.3).

ClinVar aggregate classification (germline): Uncertain significance. Review status: criteria provided, multiple submitters, no conflicts (2 of 4 stars). 2 submissions from 2 submitters: Uncertain significance (2). Last evaluated 2026-06-22.

Conditions:
Inborn genetic diseases. Identifiers: MedGen C0950123, MeSH D030342.

gnomAD v4.1: 1 of 1,614,066 alleles (0.000062%); highest among the groups gnomAD compares: Non-Finnish European, 0.000085%; no homozygotes.

Submissions (2):

Women's Health and Genetics/Laboratory Corporation of America, LabCorp
Classification: Uncertain significance. Last evaluated: 2026-06-22. Review status: criteria provided, single submitter. Criteria: LabCorp Variant Classification Summary - May 2015. Collection method: clinical testing. Allele origin: germline.
Comment: Variant summary: CIC c.956C>T (p.Ala319Val) results in a non-conservative amino acid change in the encoded protein sequence. Algorithms developed to predict the effect of missense changes on protein structure and function are either unavailable or do not agree on the potential impact of this missense change. The variant allele was found at a frequency of 4e-06 in 250972 control chromosomes. The available data on variant occurrences in the general population are insufficient to allow any conclusion about variant significance. To our knowledge, no occurrence of c.956C>T in individuals affected with CIC-related conditions and no experimental evidence demonstrating its impact on protein function have been reported. ClinVar contains an entry for this variant (Variation ID: 3907471). Based on the evidence outlined above, the variant was classified as uncertain significance.

Ambry Genetics
Classification: Uncertain significance for Inborn genetic diseases. Last evaluated: 2025-05-14. Review status: criteria provided, single submitter. Criteria: Ambry Variant Classification Scheme 2023. Collection method: clinical testing. Allele origin: germline.